The following is an entry in ClinVar:

ClinVar aggregate classification (germline): Conflicting classifications of pathogenicity. Review status: criteria provided, conflicting classifications (1 of 4 stars). 3 submissions from 3 submitters: Pathogenic (1); Likely pathogenic (1); Uncertain significance (1). Last evaluated 2025-02-20.

Conditions:
Epidermolysis bullosa simplex 4, localized or generalized intermediate, autosomal recessive. Also called: Epidermolysis bullosa, nonspecific, autosomal recessive. Identifiers: Orphanet 412189, MedGen C3554367, MONDO:0014014, OMIM 615028.

Allele frequency attached by ClinVar (database versions not stated): gnomAD 0.00003; TOPMed 0.00003; gnomAD exomes 0.00007; ExAC 0.00007; ESP Exome Variant Server 0.00008.
gnomAD v4.1: 103 of 1,611,770 alleles (0.0064%); highest among the groups gnomAD compares: Middle Eastern, 0.017%; no homozygotes.

Submissions (3):

Dasa
Classification: Likely pathogenic for Epidermolysis bullosa simplex 4, localized or generalized intermediate, autosomal recessive. Last evaluated: 2025-02-20. Review status: criteria provided, single submitter. Criteria: DASA Assertion Criteria. Collection method: clinical testing. Allele origin: germline.
Comment: NM_015065.3(EXPH5):c.5422C>T (p.Arg1808*) is a nonsense variant in EXPH5 predicted to introduce a premature termination codon and is predicted to result in an absent or altered protein product. Loss of function is an established disease mechanism for EXPH5-associated disorders. This variant has been reported in individuals with EXPH5-related disorders (PMID: 28830826). Also, this variant is rare in population databases. Based on the currently available evidence, this variant is classified as likely pathogenic.

Labcorp Genetics (formerly Invitae), Labcorp
Classification: Uncertain significance. Last evaluated: 2022-02-10. Review status: criteria provided, single submitter. Criteria: Invitae Variant Classification Sherloc (09022015). Collection method: clinical testing. Allele origin: germline.
Comment: In summary, the available evidence is currently insufficient to determine the role of this variant in disease. Therefore, it has been classified as a Variant of Uncertain Significance. This premature translational stop signal has been observed in individual(s) with clinical features of EXPH5-related conditions (PMID: 28830826). This variant is present in population databases (rs142805294, gnomAD 0.01%). This sequence change creates a premature translational stop signal (p.Arg1808*) in the EXPH5 gene. While this is not anticipated to result in nonsense mediated decay, it is expected to disrupt the last 182 amino acid(s) of the EXPH5 protein.

Victorian Clinical Genetics Services, Murdoch Childrens Research Institute
Classification: Pathogenic for Epidermolysis bullosa simplex 4, localized or generalized intermediate, autosomal recessive. Last evaluated: 2021-05-06. Review status: criteria provided, single submitter. Criteria: ACMG Guidelines, 2015. Collection method: clinical testing. Allele origin: germline. Inheritance: Autosomal recessive inheritance. Affected: yes.
Comment: Based on the classification scheme VCGS_Germline_v1.3.4, this variant is classified as Pathogenic. Following criteria are met: 0102 - Loss of function is a reported mechanism of disease in this gene and is associated with autosomal recessive nonspecific epidermolysis bullosa (MIM#615028; PMID: 27730671). (I) 0106 - This gene is associated with autosomal recessive disease. (I) 0205 - Variant is predicted to result in a truncated protein (premature termination codon is NOT located at least 54 nucleotides upstream of the final exon-exon junction) with less than 1/3 of the protein sequence affected. (SP) 0252 - This variant is homozygous. (I) 0304 - Variant is present in gnomAD <0.01 for a recessive condition (v2: 14 heterozygotes, 0 homozygotes). (SP) 0604 - Variant is not located in an established domain, motif, hotspot or informative constraint region. (I) 0703 - Other variants predicted to result in a truncated protein comparable to the one identified in this case have moderate previous evidence for pathogenicity. Two truncations downstream have been reported. p.(Pro1929Leufs*8) has been found in two families with recessive epidermolysis bullosa (PMIDs: 23176819, 32176379) and is also reported pathogenic in ClinVar, and p.(Phe1897Serfs*2) has been reported in an individual with fragile skin among other features such as intellectual disability (LOVD). (SP) 0803 - This variant has limited previous evidence of pathogenicity in an individual. (SP) 0905 - No published segregation evidence has been identified for this variant. (I) 1010 - Functional evidence for this variant is inconclusive. Immunofluorescence staining showed no Exph5 protein in skin, however, the antibodies used were targeting the C-terminal, which is expected to be deleted in this truncated protein that is not predicted to result in nonsense mediated decay (PMID: 30016581). (I) 1208 - Inheritance information for this variant is not currently available in this individual. (I) Legend: (SP) - Supporting pathogenic, (I) - Information, (SB) - Supporting benign

Literature cited by the submitters: PubMed 28830826 (cited by Dasa and Labcorp Genetics (formerly Invitae), Labcorp); PubMed 23176819 (cited by Victorian Clinical Genetics Services, Murdoch Childrens Research Institute); PubMed 27730671 (cited by Victorian Clinical Genetics Services, Murdoch Childrens Research Institute); PubMed 30016581 (cited by Victorian Clinical Genetics Services, Murdoch Childrens Research Institute); PubMed 32176379 (cited by Victorian Clinical Genetics Services, Murdoch Childrens Research Institute).

NM_015065.3(EXPH5):c.5422C>T (p.Arg1808Ter)

Gene: EXPH5 (exophilin 5; minus strand). Cytogenetic location: 11q22.3.
Variant type: single nucleotide variant.
Coding change: c.5422C>T on transcript NM_015065.3 (MANE Select); coding-DNA position 5422, C replaced by T.
Protein change: p.Arg1808Ter; replaces arginine 1808 with a stop codon.
Molecular consequence: nonsense.
Genome position (GRCh38, 1-based): chr11:108,510,085, G>A on the plus strand (C>T on the coding strand, the complement: EXPH5 is on the minus strand). VCF-style: chr11-108510085-G-A. GRCh37 (hg19) VCF-style: chr11-108380812-G-A.
Other names: c.5194C>T, p.Arg1732Ter (NM_001144763.2); c.4954C>T, p.Arg1652Ter (NM_001144764.2); c.4858C>T, p.Arg1620Ter (NM_001144765.2); c.5401C>T, p.Arg1801Ter (NM_001308019.2); short protein forms R1620*, R1652*, R1732*, R1801*, R1808*.
Identifiers: ClinVar variation 1805039 (VCV001805039.7), dbSNP rs142805294, ClinGen allele CA6267336.